The following is an entry in ClinVar:

ClinVar aggregate classification (germline): Uncertain significance (1 of 4 stars; one submission).

Conditions:
Developmental and epileptic encephalopathy. Identifiers: MedGen C5779964, MONDO:0100620.

Submission:

Labcorp Genetics (formerly Invitae), Labcorp
Classification: Uncertain significance for Early-infantile DEE. Last evaluated: 2021-12-08. Review status: criteria provided, single submitter. Criteria: Invitae Variant Classification Sherloc (09022015). Collection method: clinical testing. Allele origin: germline.
Comment: In summary, the available evidence is currently insufficient to determine the role of this variant in disease. Therefore, it has been classified as a Variant of Uncertain Significance. This variant has not been reported in the literature in individuals affected with KCNQ2-related conditions. This variant results in a copy number gain of the genomic region encompassing exon(s) 5-6 of the KCNQ2 gene. While the exact position of this variant cannot be determined from the data, sub-genic copy number gains are generally in tandem (PMID: 25640679). This variant is predicted to be in-frame, and likely preserves the integrity of the reading frame.

Literature cited by the submitters: PubMed 25640679.

NC_000020.10:g.(?_62070931)_(62073904_?)dup

Gene: KCNQ2 (potassium voltage-gated channel subfamily Q member 2; minus strand). Cytogenetic location: 20q13.33.
Variant type: Duplication.
Identifiers: ClinVar variation 2427479 (VCV002427479.3).